The following is an entry in ClinVar:

ClinVar aggregate classification (germline): Benign/Likely benign. Review status: criteria provided, multiple submitters, no conflicts (2 of 4 stars). 27 submissions from 20 submitters: Benign (16); Likely benign (5). 6 of the submissions do not count toward it. Last evaluated 2026-02-04.

Conditions:
TTN-related disorder. Also called: TTN-related disorders; TTN-related condition; TTN-related disease.
Cardiovascular phenotype. Identifiers: MedGen CN230736.
Dilated cardiomyopathy 1G (CMD1G). Identifiers: Orphanet 154, MedGen C1858763, MONDO:0011400, OMIM 604145.
Autosomal recessive limb-girdle muscular dystrophy type 2J (LGMDR10). Also called: Limb-girdle muscular dystrophy, type 2J; MUSCULAR DYSTROPHY, LIMB-GIRDLE, AUTOSOMAL RECESSIVE 10. Identifiers: Orphanet 140922, MedGen C1837342, MONDO:0012127, OMIM 608807.
Early-onset myopathy with fatal cardiomyopathy (CMYO5). Also called: CONGENITAL MYOPATHY 5 WITH CARDIOMYOPATHY; Salih Myopathy. Identifiers: Orphanet 289377, MedGen C2673677, MONDO:0012714, OMIM 611705. Disease mechanism: loss of function.
Myopathy, myofibrillar, 9, with early respiratory failure (MFM9). Also called: MYOPATHY, PROXIMAL, WITH EARLY RESPIRATORY MUSCLE INVOLVEMENT; Myopathy, distal, with early respiratory failure, autosomal dominant; Hereditary myopathy with early respiratory failure; EDSTROM MYOPATHY. Identifiers: Orphanet 178464, Orphanet 34521, MedGen C1863599, MONDO:0011362, OMIM 603689.
Tibial muscular dystrophy (TMD). Also called: Tibial muscular dystrophy, tardive; UDD MYOPATHY; Udd Distal Myopathy – Tibial Muscular Dystrophy. Identifiers: Orphanet 609, MedGen C1838244, MONDO:0010870, OMIM 600334.

Allele frequency attached by ClinVar (database versions not stated): 1000 Genomes Project 0.01058; 1000 Genomes Project 30x 0.01109; TOPMed 0.01793; gnomAD 0.01912 and 0.01917; gnomAD exomes 0.01932 and 0.02225; ExAC 0.01988; ESP Exome Variant Server 0.02046.
gnomAD v4.1: 35,268 of 1,612,220 alleles (2.2%); highest among the groups gnomAD compares: Non-Finnish European, 2.4%; 442 homozygotes.

Submissions (27):

Labcorp Genetics (formerly Invitae), Labcorp
Classification: Benign for Dilated cardiomyopathy 1G; Autosomal recessive limb-girdle muscular dystrophy type 2J. Last evaluated: 2026-02-04. Review status: criteria provided, single submitter. Criteria: Invitae Variant Classification Sherloc (09022015). Collection method: clinical testing. Allele origin: germline.

ARUP Laboratories, Molecular Genetics and Genomics, ARUP Laboratories
Classification: Benign. Last evaluated: 2025-07-10. Review status: criteria provided, single submitter. Criteria: ARUP Molecular Germline Variant Investigation Process 2024. Collection method: clinical testing. Allele origin: germline.

Molecular Diagnostic Laboratory for Inherited Cardiovascular Disease, Montreal Heart Institute
Classification: Likely benign. Last evaluated: 2025-04-09. Review status: criteria provided, single submitter. Criteria: ACMG Guidelines, 2015. Collection method: clinical testing. Allele origin: germline. Affected: no.

Athena Diagnostics
Classification: Benign. Last evaluated: 2023-12-08. Review status: criteria provided, single submitter. Criteria: Athena Diagnostics Criteria. Collection method: clinical testing. Allele origin: unknown.

Mayo Clinic Laboratories, Mayo Clinic
Classification: Benign. Last evaluated: 2023-12-05. Review status: criteria provided, single submitter. Criteria: ACMG Guidelines, 2015. Collection method: clinical testing. Allele origin: germline. Observed: 94 variant alleles.
Comment: BS1, BS2, BP4

Genome-Nilou Lab
Classification: Benign for Autosomal recessive limb-girdle muscular dystrophy type 2J. Last evaluated: 2021-09-10. Review status: criteria provided, single submitter. Criteria: ACMG Guidelines, 2015. Collection method: clinical testing. Allele origin: germline. Affected: no.

Genome-Nilou Lab
Classification: Benign for Myopathy, myofibrillar, 9, with early respiratory failure. Last evaluated: 2021-09-10. Review status: criteria provided, single submitter. Criteria: ACMG Guidelines, 2015. Collection method: clinical testing. Allele origin: germline. Affected: no.

Genome-Nilou Lab
Classification: Benign for Early-onset myopathy with fatal cardiomyopathy. Last evaluated: 2021-09-10. Review status: criteria provided, single submitter. Criteria: ACMG Guidelines, 2015. Collection method: clinical testing. Allele origin: germline. Affected: no.

Genome-Nilou Lab
Classification: Benign for Tibial muscular dystrophy. Last evaluated: 2021-09-10. Review status: criteria provided, single submitter. Criteria: ACMG Guidelines, 2015. Collection method: clinical testing. Allele origin: germline. Affected: no.

Women's Health and Genetics/Laboratory Corporation of America, LabCorp
Classification: Benign. Last evaluated: 2019-10-30. Review status: criteria provided, single submitter. Criteria: LabCorp Variant Classification Summary - May 2015. Collection method: clinical testing. Allele origin: germline.
Comment: Variant summary: TTN c.26080A>T (p.Thr8694Ser) results in a conservative amino acid change located in the I-band region of the encoded protein sequence. Four of five in-silico tools predict a benign effect of the variant on protein function. The variant allele was found at a frequency of 0.019 in 245040 control chromosomes in the gnomAD database, including 48 homozygotes. The observed variant frequency is approximately 31 fold of the estimated maximal expected allele frequency for a pathogenic variant in TTN causing Cardiomyopathy phenotype (0.00063), strongly suggesting that the variant is benign. Two ClinVar submitters (evaluation after 2014) cite the variant as benign/likely benign. Based on the evidence outlined above, the variant was classified as benign.

Illumina Laboratory Services, Illumina
Classification: Benign for Tibial muscular dystrophy. Last evaluated: 2018-01-13. Review status: criteria provided, single submitter. Criteria: ICSL Variant Classification Criteria 13 December 2019. Collection method: clinical testing. Allele origin: germline.
Comment: This variant was observed in the ICSL laboratory as part of a predisposition screen in an ostensibly healthy population. It had not been previously curated by ICSL or reported in the Human Gene Mutation Database (HGMD: prior to June 1st, 2018), and was therefore a candidate for classification through an automated scoring system. Utilizing variant allele frequency, disease prevalence and penetrance estimates, and inheritance mode, an automated score was calculated to assess if this variant is too frequent to cause the disease. Based on the score and internal cut-off values, a variant classified as benign is not then subjected to further curation. The score for this variant resulted in a classification of benign for this disease.

Illumina Laboratory Services, Illumina
Classification: Likely benign for Early-onset myopathy with fatal cardiomyopathy. Last evaluated: 2018-01-13. Review status: criteria provided, single submitter. Criteria: ICSL Variant Classification Criteria 13 December 2019. Collection method: clinical testing. Allele origin: germline.
Comment: This variant was observed in the ICSL laboratory as part of a predisposition screen in an ostensibly healthy population. It had not been previously curated by ICSL or reported in the Human Gene Mutation Database (HGMD: prior to June 1st, 2018), and was therefore a candidate for classification through an automated scoring system. Utilizing variant allele frequency, disease prevalence and penetrance estimates, and inheritance mode, an automated score was calculated to assess if this variant is too frequent to cause the disease. Based on the score and internal cut-off values, a variant classified as likely benign is not then subjected to further curation. The score for this variant resulted in a classification of likely benign for this disease.

Illumina Laboratory Services, Illumina
Classification: Likely benign for Autosomal recessive limb-girdle muscular dystrophy type 2J. Last evaluated: 2018-01-13. Review status: criteria provided, single submitter. Criteria: ICSL Variant Classification Criteria 13 December 2019. Collection method: clinical testing. Allele origin: germline.
Comment: the same text as in the submission from Illumina Laboratory Services, Illumina above.

Illumina Laboratory Services, Illumina
Classification: Benign for Myopathy, myofibrillar, 9, with early respiratory failure. Last evaluated: 2018-01-13. Review status: criteria provided, single submitter. Criteria: ICSL Variant Classification Criteria 13 December 2019. Collection method: clinical testing. Allele origin: germline.
Comment: the same text as in the submission from Illumina Laboratory Services, Illumina above.

Illumina Laboratory Services, Illumina
Classification: Likely benign for Dilated cardiomyopathy 1G. Last evaluated: 2018-01-13. Review status: criteria provided, single submitter. Criteria: ICSL Variant Classification Criteria 13 December 2019. Collection method: clinical testing. Allele origin: germline.
Comment: the same text as in the submission from Illumina Laboratory Services, Illumina above.

Genetic Services Laboratory, University of Chicago
Classification: Benign for AllHighlyPenetrant. Last evaluated: 2013-08-15. Review status: criteria provided, single submitter. Criteria: ACMG Guidelines, 2007. Collection method: clinical testing. Allele origin: germline.

Biesecker Lab/Clinical Genomics Section, National Institutes of Health
Classification: Benign. Last evaluated: 2013-06-24. Review status: criteria provided, single submitter. Criteria: Ng et al. (Circ Cardiovasc Genet. 2013). Collection method: research. Allele origin: unknown. Observed: 21 variant alleles. Study: ClinSeq.
Comment: The study set was not selected for affection status in relation to any cancer. Pathogenicity categories were based on literature curation. See Pubmed ID:23861362 for details.

Medical sequencing

Ambry Genetics
Classification: Benign for Cardiovascular phenotype. Last evaluated: 2013-03-27. Review status: criteria provided, single submitter. Criteria: Ambry Autosomal Dominant and X-Linked criteria (10/2015). Collection method: clinical testing. Allele origin: germline. Observed: 1 variant allele.

GeneDx
Classification: Benign. Last evaluated: 2012-10-22. Review status: criteria provided, single submitter. Criteria: GeneDx Variant Classification (06012015). Collection method: clinical testing. Allele origin: germline. Affected: yes.
Comment: This variant is considered likely benign or benign based on one or more of the following criteria: it is a conservative change, it occurs at a poorly conserved position in the protein, it is predicted to be benign by multiple in silico algorithms, and/or has population frequency not consistent with disease.

Laboratory for Molecular Medicine, Mass General Brigham Personalized Medicine
Classification: Benign. Last evaluated: 2012-02-10. Review status: criteria provided, single submitter. Criteria: LMM Criteria. Collection method: clinical testing. Allele origin: germline. Observed: 74 variant alleles.
Comment: Thr8694Ser in exon 102 of TTN: This variant is classified as benign based on its high frequency in the general population (dbSNP rs72650006; NHLBI Exome Sequenc ing Project).

Breakthrough Genomics
Classification: Likely benign. Review status: criteria provided, single submitter. Criteria: ACMG Guidelines, 2015. Collection method: not provided. Allele origin: germline. Inheritance: Autosomal recessive inheritance. Affected: yes.

PreventionGenetics, part of Exact Sciences
Classification: Benign for TTN-related condition. Last evaluated: 2019-04-08. Review status: no assertion criteria provided. Collection method: clinical testing. Allele origin: germline. Not counted in ClinVar's aggregate classification.
Comment: This variant is classified as benign based on ACMG/AMP sequence variant interpretation guidelines (Richards et al. 2015 PMID: 25741868, with internal and published modifications).

Clinical Genetics DNA and cytogenetics Diagnostics Lab, Erasmus MC, Erasmus Medical Center
Classification: Benign. Review status: no assertion criteria provided. Collection method: clinical testing. Allele origin: germline. Affected: yes. Study: VKGL Data-share Consensus. Not counted in ClinVar's aggregate classification.

Clinical Genetics, Academic Medical Center
Classification: Benign. Review status: no assertion criteria provided. Collection method: clinical testing. Allele origin: germline. Affected: yes. Study: VKGL Data-share Consensus. Not counted in ClinVar's aggregate classification.

Diagnostic Laboratory, Department of Genetics, University Medical Center Groningen
Classification: Likely benign. Review status: no assertion criteria provided. Collection method: clinical testing. Allele origin: germline. Affected: yes. Study: VKGL Data-share Consensus. Not counted in ClinVar's aggregate classification.

Joint Genome Diagnostic Labs from Nijmegen and Maastricht, Radboudumc and MUMC+
Classification: Benign. Review status: no assertion criteria provided. Collection method: clinical testing. Allele origin: germline. Affected: yes. Study: VKGL Data-share Consensus. Not counted in ClinVar's aggregate classification.

Laboratory of Diagnostic Genome Analysis, Leiden University Medical Center (LUMC)
Classification: Likely benign. Review status: no assertion criteria provided. Collection method: clinical testing. Allele origin: germline. Affected: yes. Study: VKGL Data-share Consensus. Not counted in ClinVar's aggregate classification.

NM_001267550.2(TTN):c.29812A>T (p.Thr9938Ser)

Gene: TTN (titin; minus strand). Cytogenetic location: 2q31.2.
Variant type: single nucleotide variant.
Coding change: c.29812A>T on transcript NM_001267550.2 (MANE Select); coding-DNA position 29812, A replaced by T.
Protein change: p.Thr9938Ser; replaces threonine 9938 with serine.
Molecular consequence: missense variant. On other transcripts: intron variant (3).
Genome position (GRCh38, 1-based): chr2:178,704,660, T>A on the plus strand (A>T on the coding strand, the complement: TTN is on the minus strand). VCF-style: chr2-178704660-T-A. GRCh37 (hg19) VCF-style: chr2-179569387-T-A.
Other names: p.T8694S:ACT>TCT; p.Thr9621Ser; c.28861A>T, p.Thr9621Ser (NM_001256850.1); c.26080A>T, p.Thr8694Ser (NM_133378.4); c.13282+33422A>T (NM_003319.4); c.13858+33422A>T (NM_133437.4); c.13657+33422A>T (NM_133432.3); short protein forms T9938S, T8694S, T9621S.
Identifiers: ClinVar variation 46826 (VCV000046826.56), dbSNP rs72650006, ClinGen allele CA283061.
Genomic context (GRCh38, chr2:178,704,660, plus strand): 5'-GTGTATGTCGGTCACCATCAATGCTTATTTCAAATTTATCACTGGGTTCCAGTTTTTCAG[T>A]TCCTTTGTACCACGAAAGCTTGATTTCTGGATAATTAATTTTAATGTCAATTTCAAAGAC-3'
Protein context (NP_001254479.2, residues 9928-9948): PEIKLSWYKG[Thr9938Ser]EKLEPSDKFE